The following is an entry in ClinVar:

NM_000051.3:c.364_365insL1

Gene: ATM (ATM serine/threonine kinase; plus strand).
Variant type: Insertion.
Identifiers: ClinVar variation 5031678 (VCV005031678.1).

ClinVar aggregate classification (germline): Likely pathogenic (1 of 4 stars; one submission).

Conditions:
Hereditary cancer-predisposing syndrome. Also called: Neoplastic Syndromes, Hereditary; Tumor predisposition; Hereditary Cancer Syndrome; Hereditary neoplastic syndrome. Identifiers: Orphanet 140162, MedGen C0027672, MeSH D009386, MONDO:0015356.

Submission:

Ambry Genetics
Classification: Likely pathogenic for Hereditary cancer-predisposing syndrome. Last evaluated: 2026-07-20. Review status: criteria provided, single submitter. Criteria: Ambry Variant Classification Scheme 2023. Collection method: clinical testing. Allele origin: germline.
Comment: The c.364_365insL1 likely pathogenic variant results from the insertion of an L1 element between nucleotides 364 and 365 in coding exon 4 of the ATM gene. Mobile element insertions contribute to pathogenicity by either disrupting the coding sequence or inducing aberrant splicing (Belancio VP et al. Semin. Cancer Biol. 2010 Aug;20:200-10; Deininger P et al. Genome Biol. 2011 Dec;12:236; van der Klift HM Hum Mutat. 2012 Jul;33(7):1051-5). RNA studies have demonstrated that this alteration results in abnormal splicing in the set of samples tested (Ambry internal data). Based on the majority of available evidence to date, this variant is likely to be pathogenic.